The following is an entry in ClinVar:

ClinVar aggregate classification (germline): Uncertain significance (1 of 4 stars; one submission).

Submission:

Labcorp Genetics (formerly Invitae), Labcorp
Classification: Uncertain significance. Last evaluated: 2021-12-02. Review status: criteria provided, single submitter. Criteria: Invitae Variant Classification Sherloc (09022015). Collection method: clinical testing. Allele origin: germline.
Comment: This sequence change creates a premature translational stop signal (p.Leu99Serfs*10) in the MRPS16 gene. While this is not anticipated to result in nonsense mediated decay, it is expected to disrupt the last 39 amino acid(s) of the MRPS16 protein. This variant is present in population databases (rs763983826, gnomAD 0.03%). This variant has not been reported in the literature in individuals affected with MRPS16-related conditions. Experimental studies and prediction algorithms are not available or were not evaluated, and the functional significance of this variant is currently unknown. In summary, the available evidence is currently insufficient to determine the role of this variant in disease. Therefore, it has been classified as a Variant of Uncertain Significance.

NM_016065.4(MRPS16):c.290dup (p.Leu99fs)

Genes: DNAJC9-AS1 (DNAJC9 and MRPS16 antisense RNA 1; plus strand), MRPS16 (mitochondrial ribosomal protein S16; minus strand). Cytogenetic location: 10q22.2.
Variant type: Duplication.
Coding change: c.290dup on transcript NM_016065.4 (MANE Select); coding-DNA position 290, one base duplicated (T; older notation c.290dupT).
Protein change: p.Leu99fs; shifts the reading frame from leucine 99.
Molecular consequence: frameshift variant.
Genome position (GRCh38, 1-based): chr10:73,250,976, A duplicated on the plus strand (T on the coding strand, the reverse complement: MRPS16 is on the minus strand); the first of 5 consecutive A bases (chr10:73,250,976-73,250,980); duplicating any one gives the same sequence. VCF-style (leftmost placement, unchanged base first): chr10-73250975-G-GA. GRCh37 (hg19) VCF-style: chr10-75010733-G-GA.
Other names: short protein forms L99fs.
Identifiers: ClinVar variation 1437121 (VCV001437121.7), dbSNP rs763983826, ClinGen allele CA5553346.